The following is an entry in ClinVar:

NM_001267550.2(TTN):c.35548T>A (p.Tyr11850Asn)

Gene: TTN (titin; minus strand). Cytogenetic location: 2q31.2.
Variant type: single nucleotide variant.
Coding change: c.35548T>A on transcript NM_001267550.2 (MANE Select); coding-DNA position 35548, T replaced by A.
Protein change: p.Tyr11850Asn; replaces tyrosine 11850 with asparagine.
Molecular consequence: missense variant. On other transcripts: intron variant (4).
Genome position (GRCh38, 1-based): chr2:178,667,719, A>T on the plus strand (T>A on the coding strand, the complement: TTN is on the minus strand). VCF-style: chr2-178667719-A-T. GRCh37 (hg19) VCF-style: chr2-179532446-A-T.
Other names: c.13283-25402T>A (NM_003319.4); c.13859-25402T>A (NM_133437.4); c.13658-25402T>A (NM_133432.3); c.34264+2499T>A (NM_001256850.1); c.31483+2499T>A (NM_133378.4); short protein forms Y11850N.
Identifiers: ClinVar variation 192174 (VCV000192174.8), dbSNP rs145670920, ClinGen allele CA238516.

ClinVar aggregate classification (germline): Conflicting classifications of pathogenicity. Review status: criteria provided, conflicting classifications (1 of 4 stars). 6 submissions from 6 submitters: Uncertain significance (2); Likely benign (4). Last evaluated 2026-09-01.

Conditions:
TTN-related disorder. Also called: TTN-related disorders; TTN-related condition; TTN-related disease.

Allele frequency attached by ClinVar (database versions not stated): gnomAD exomes 0.00004 and 0.00010; ExAC 0.00012; ESP Exome Variant Server 0.00035; TOPMed 0.00038; gnomAD 0.00040; 1000 Genomes Project 30x 0.00078; 1000 Genomes Project 0.00080.

Submissions (6):

CeGaT Center for Human Genetics Tuebingen
Classification: Uncertain significance. Last evaluated: 2026-09-01. Review status: criteria provided, single submitter. Criteria: CeGaT Center For Human Genetics Tuebingen Variant Classification Criteria Version 2. Collection method: clinical testing. Allele origin: germline. Affected: yes. Observed: 1 variant allele.
Comment: TTN: PM2, BP4

PreventionGenetics, part of Exact Sciences
Classification: Uncertain significance for TTN-related condition. Last evaluated: 2026-04-21. Review status: criteria provided, single submitter. Criteria: ACMG Guidelines, 2015. Collection method: clinical testing. Allele origin: germline.
Comment: The TTN c.35548T>A variant is predicted to result in the amino acid substitution p.Tyr11850Asn. To our knowledge, this variant has not been reported in individuals with TTN-related disorders in the literature. This variant is reported in 0.12% of alleles in individuals of African descent in gnomAD. Although we suspect that this variant may be benign, at this time, the clinical significance of this variant is uncertain due to the absence of conclusive functional and genetic evidence.

Molecular Diagnostic Laboratory for Inherited Cardiovascular Disease, Montreal Heart Institute
Classification: Likely benign. Last evaluated: 2025-04-09. Review status: criteria provided, single submitter. Criteria: ACMG Guidelines, 2015. Collection method: clinical testing. Allele origin: germline. Affected: no.

Women's Health and Genetics/Laboratory Corporation of America, LabCorp
Classification: Likely benign. Last evaluated: 2025-01-30. Review status: criteria provided, single submitter. Criteria: LabCorp Variant Classification Summary - May 2015. Collection method: clinical testing. Allele origin: germline.
Comment: Variant summary: TTN c.31483+2499T>A is located at a position not widely known to affect splicing. This variant corresponds to c.35548T>A (p.Tyr11850Asn) in NM_001267550. Consensus agreement among computation tools predict no significant impact on normal splicing. However, these predictions have yet to be confirmed by functional studies. The variant allele was found at a frequency of 9.8e-05 in 224642 control chromosomes, predominantly at a frequency of 0.0016 within the African or African-American subpopulation in the gnomAD database. The observed variant frequency within African or African-American control individuals in the gnomAD database is approximately 4-fold of the estimated maximal expected allele frequency for a pathogenic variant in TTN causing Dilated Cardiomyopathy phenotype (0.00039). To our knowledge, no occurrence of c.31483+2499T>A in individuals affected with Dilated Cardiomyopathy or other TTN-related disorders and no experimental evidence demonstrating its impact on protein function have been reported. ClinVar contains an entry for this variant (Variation ID: 192174). Based on the evidence outlined above, the variant was classified as likely benign.

Blueprint Genetics
Classification: Likely benign. Last evaluated: 2023-06-20. Review status: criteria provided, single submitter. Criteria: ACMG Guidelines, 2015. Collection method: clinical testing. Allele origin: germline.

Biesecker Lab/Clinical Genomics Section, National Institutes of Health
Classification: Likely benign. Last evaluated: 2013-06-24. Review status: criteria provided, single submitter. Criteria: Ng et al. (Circ Cardiovasc Genet. 2013). Collection method: research. Allele origin: unknown. Observed: 1 variant allele. Study: ClinSeq.
Comment: The study set was not selected for affection status in relation to any cancer. Pathogenicity categories were based on literature curation. See Pubmed ID:23861362 for details.

Medical sequencing